The following is an entry in ClinVar:

ClinVar aggregate classification (germline): Uncertain significance (1 of 4 stars; one submission).

Conditions:
Inborn genetic diseases. Identifiers: MedGen C0950123, MeSH D030342.

gnomAD v4.1: 1 of 1,614,280 alleles (0.000062%); highest among the groups gnomAD compares: Non-Finnish European, 0.000085%; no homozygotes.

Submission:

Ambry Genetics
Classification: Uncertain significance for Inborn genetic diseases. Last evaluated: 2026-07-26. Review status: criteria provided, single submitter. Criteria: Ambry Variant Classification Scheme 2023. Collection method: clinical testing. Allele origin: germline.
Comment: The p.I1407T variant (also known as c.4220T>C), located in coding exon 42 of the FANCA gene, results from a T to C substitution at nucleotide position 4220. The isoleucine at codon 1407 is replaced by threonine, an amino acid with similar properties. This amino acid position is conserved. In addition, this alteration is predicted to be deleterious by in silico analysis. Based on the available evidence, the clinical significance of this variant remains unclear.

NM_000135.4(FANCA):c.4220T>C (p.Ile1407Thr)

Genes: FANCA (FA complementation group A; minus strand), ZNF276 (zinc finger protein 276; plus strand). Cytogenetic location: 16q24.3.
Variant type: single nucleotide variant.
Coding change: c.4220T>C on transcript NM_000135.4 (MANE Select); coding-DNA position 4220, T replaced by C.
Protein change: p.Ile1407Thr; replaces isoleucine 1407 with threonine.
Molecular consequence: missense variant. On other transcripts: synonymous variant (1), 3 prime UTR variant (2), non-coding transcript variant (4).
Genome position (GRCh38, 1-based): chr16:89,738,922, A>G on the plus strand (T>C on the coding strand, the complement: FANCA is on the minus strand). VCF-style: chr16-89738922-A-G. GRCh37 (hg19) VCF-style: chr16-89805330-A-G.
Other names: c.4224T>C, p.Asn1408= (NM_001286167.3); c.*676A>G (NM_001113525.2, NM_152287.4); short protein forms I1407T.
Identifiers: ClinVar variation 5036373 (VCV005036373.1).
Genomic context (GRCh38, chr16:89,738,922, plus strand): 5'-GGTGGGCATCTTGACGTTACCTCTGCCACGTGTGAGAAGCTCTTTTTCGGGCACCGAGGT[A>G]TTAACTGCAGCAGAAAAAGACGAGCTTTTGTTATCAGTTCCACGGGGTTGCCCTAGAGAG-3'
Protein context (NP_000126.2, residues 1397-1417): TKARLFLLQL[Ile1407Thr]PRCPKKSFSH